The following is an entry in ClinVar:

ClinVar aggregate classification (germline): Conflicting classifications of pathogenicity. Review status: criteria provided, conflicting classifications (1 of 4 stars). 3 submissions from 3 submitters: Uncertain significance (1); Likely benign (1). 1 of the submissions does not count toward it. Last evaluated 2023-08-17.

Conditions:
ITGB4-related disorder. Also called: ITGB4-related condition.
Junctional epidermolysis bullosa with pyloric atresia. Also called: EPIDERMOLYSIS BULLOSA, JUNCTIONAL 5B, WITH PYLORIC ATRESIA; Junctional Epidermolysis Bullosa- Pyloric Atresia Syndrome; APLASIA CUTIS CONGENITA WITH GASTROINTESTINAL ATRESIA; CARMI SYNDROME; EB-PA-ACC; ITGB4-Related Epidermolysis Bullosa with Pyloric Atresia. Identifiers: Orphanet 79403, MedGen C5676875, MONDO:0009183, OMIM 226730.

Allele frequency attached by ClinVar (database versions not stated): gnomAD exomes below 0.00001; gnomAD 0.00001; TOPMed 0.00001.
gnomAD v4.1: 7 of 1,611,890 alleles (0.00043%); highest among the groups gnomAD compares: Middle Eastern, 0.018%; no homozygotes.

Submissions (3):

Labcorp Genetics (formerly Invitae), Labcorp
Classification: Likely benign. Last evaluated: 2023-08-17. Review status: criteria provided, single submitter. Criteria: Invitae Variant Classification Sherloc (09022015). Collection method: clinical testing. Allele origin: germline.

Illumina Laboratory Services, Illumina
Classification: Uncertain significance for Junctional epidermolysis bullosa with pyloric atresia. Last evaluated: 2018-01-13. Review status: criteria provided, single submitter. Criteria: ICSL Variant Classification Criteria 13 December 2019. Collection method: clinical testing. Allele origin: germline.

PreventionGenetics, part of Exact Sciences
Classification: Likely benign for ITGB4-related condition. Last evaluated: 2019-09-17. Review status: no assertion criteria provided. Collection method: clinical testing. Allele origin: germline. Not counted in ClinVar's aggregate classification.
Comment: This variant is classified as likely benign based on ACMG/AMP sequence variant interpretation guidelines (Richards et al. 2015 PMID: 25741868, with internal and published modifications).

NM_000213.5(ITGB4):c.5053+10A>G

Genes: ITGB4 (integrin subunit beta 4; plus strand), GALK1 (galactokinase 1; minus strand). Cytogenetic location: 17q25.1.
Variant type: single nucleotide variant.
Coding change: c.5053+10A>G on transcript NM_000213.5 (MANE Select); 10 bases into the intron after coding-DNA position 5053, A replaced by G.
Molecular consequence: intron variant.
Genome position (GRCh38, 1-based): chr17:75,756,869, A>G. VCF-style: chr17-75756869-A-G. GRCh37 (hg19) VCF-style: chr17-73752950-A-G.
Other names: c.5002+10A>G (NM_001005619.2); c.4843+10A>G (NM_001005731.3, NM_001321123.2); c.4693+10A>G (NM_001438834.1); c.*22+1165T>C (NM_001381985.1).
Identifiers: ClinVar variation 325206 (VCV000325206.10), dbSNP rs886053418, ClinGen allele CA10650146.